The following is an entry in ClinVar:

ClinVar aggregate classification (germline): Likely pathogenic (1 of 4 stars; one submission).

Conditions:
Marfan syndrome (MFS). Also called: MARFAN SYNDROME, TYPE I; FBN1-Related Marfan Syndrome; Marfan syndrome type 1; Marfan's syndrome; Marfan syndrome, classic. Identifiers: Orphanet 284963, Orphanet 558, MedGen C0024796, MONDO:0007947, OMIM 154700.
Familial thoracic aortic aneurysm and aortic dissection (TAAD). Also called: Thoracic aortic aneurysms and dissections. Identifiers: Orphanet 91387, MedGen C4707243, MONDO:0019625.

Submission:

Labcorp Genetics (formerly Invitae), Labcorp
Classification: Likely pathogenic for Marfan syndrome; Familial thoracic aortic aneurysm and aortic dissection. Last evaluated: 2017-08-08. Review status: criteria provided, single submitter. Criteria: Invitae Variant Classification Sherloc (09022015). Collection method: clinical testing. Allele origin: germline.
Comment: This sequence change affects a donor splice site in intron 36 of the FBN1 gene. It is expected to disrupt RNA splicing and likely results in an absent or disrupted protein product. This variant is not present in population databases (ExAC no frequency). This variant has not been reported in the literature in individuals with FBN1-related disease. Algorithms developed to predict the effect of sequence changes on RNA splicing suggest that this variant may disrupt the consensus splice site, but this prediction has not been confirmed by published transcriptional studies. Donor and acceptor splice site variants typically lead to a loss of protein function (PMID: 16199547), and loss-of-function variants in FBN1 are known to be pathogenic (PMID: 17657824, 19293843). In summary, the currently available evidence indicates that the variant is pathogenic, but additional data are needed to prove that conclusively. Therefore, this variant has been classified as Likely Pathogenic.

NM_000138.5(FBN1):c.4459+2T>G

Gene: FBN1 (fibrillin 1; minus strand). Cytogenetic location: 15q21.1.
Variant type: single nucleotide variant.
Coding change: c.4459+2T>G on transcript NM_000138.5 (MANE Select); the canonical splice donor site of the intron after coding-DNA position 4459, T replaced by G.
Molecular consequence: splice donor variant.
Genome position (GRCh38, 1-based): chr15:48,470,632, A>C on the plus strand (T>G on the coding strand, the complement: FBN1 is on the minus strand). VCF-style: chr15-48470632-A-C. GRCh37 (hg19) VCF-style: chr15-48762829-A-C.
Other names: c.4459+2T>G (NM_001406716.1).
Identifiers: ClinVar variation 457214 (VCV000457214.1), dbSNP rs1555397393, ClinGen allele CA392354189.